The following is an entry in ClinVar:

ClinVar aggregate classification (germline): Benign/Likely benign. Review status: criteria provided, multiple submitters, no conflicts (2 of 4 stars). 7 submissions from 7 submitters: Benign (1); Likely benign (5). 1 of the submissions does not count toward it. Last evaluated 2026-01-15.

Conditions:
TMEM231-related disorder. Also called: TMEM231-related condition.
Joubert syndrome 20 (JBTS20). Identifiers: Orphanet 475, MedGen C3554235, MONDO:0013994, OMIM 614970.
Meckel syndrome, type 11 (MKS11). Identifiers: Orphanet 564, MedGen C3809352, MONDO:0014164, OMIM 615397.

Allele frequency attached by ClinVar (database versions not stated): 1000 Genomes Project 0.00120; ESP Exome Variant Server 0.00124; 1000 Genomes Project 30x 0.00141; TOPMed 0.00162; gnomAD exomes 0.00171 and 0.00224; gnomAD 0.00176 and 0.00181; ExAC 0.00198.
gnomAD v4.1: 3,538 of 1,612,450 alleles (0.22%); highest among the groups gnomAD compares: Non-Finnish European, 0.26%; 12 homozygotes.

Submissions (7):

Labcorp Genetics (formerly Invitae), Labcorp
Classification: Likely benign for Joubert syndrome 20; Meckel syndrome, type 11. Last evaluated: 2026-01-15. Review status: criteria provided, single submitter. Criteria: Invitae Variant Classification Sherloc (09022015). Collection method: clinical testing. Allele origin: germline.

Blueprint Genetics
Classification: Likely benign. Last evaluated: 2024-11-25. Review status: criteria provided, single submitter. Criteria: ACMG Guidelines, 2015. Collection method: clinical testing. Allele origin: germline.

CeGaT Center for Human Genetics Tuebingen
Classification: Likely benign. Last evaluated: 2024-08-01. Review status: criteria provided, single submitter. Criteria: CeGaT Center For Human Genetics Tuebingen Variant Classification Criteria Version 2. Collection method: clinical testing. Allele origin: germline. Affected: yes. Observed: 3 variant alleles.
Comment: TMEM231: BP4, BS2

Department of Pathology and Laboratory Medicine, Sinai Health System
Classification: Benign for Joubert syndrome 20; Meckel syndrome, type 11. Last evaluated: 2021-07-30. Review status: criteria provided, single submitter. Criteria: ACMG Guidelines, 2015. Collection method: research. Allele origin: germline.

GeneDx
Classification: Likely benign. Last evaluated: 2021-02-03. Review status: criteria provided, single submitter. Criteria: GeneDx Variant Classification Process June 2021. Collection method: clinical testing. Allele origin: germline. Affected: yes.

Breakthrough Genomics
Classification: Likely benign. Review status: criteria provided, single submitter. Criteria: ACMG Guidelines, 2015. Collection method: not provided. Allele origin: germline. Inheritance: Autosomal recessive inheritance. Affected: yes.

PreventionGenetics, part of Exact Sciences
Classification: Likely benign for TMEM231-related condition. Last evaluated: 2020-08-31. Review status: no assertion criteria provided. Collection method: clinical testing. Allele origin: germline. Not counted in ClinVar's aggregate classification.
Comment: This variant is classified as likely benign based on ACMG/AMP sequence variant interpretation guidelines (Richards et al. 2015 PMID: 25741868, with internal and published modifications).

NM_001077418.3(TMEM231):c.928T>G (p.Leu310Val)

Gene: TMEM231 (transmembrane protein 231; minus strand). Cytogenetic location: 16q23.1.
Variant type: single nucleotide variant.
Coding change: c.928T>G on transcript NM_001077418.3 (MANE Select); coding-DNA position 928, T replaced by G.
Protein change: p.Leu310Val; replaces leucine 310 with valine.
Molecular consequence: missense variant. On other transcripts: non-coding transcript variant (1).
Genome position (GRCh38, 1-based): chr16:75,540,017, A>C on the plus strand (T>G on the coding strand, the complement: TMEM231 is on the minus strand). VCF-style: chr16-75540017-A-C. GRCh37 (hg19) VCF-style: chr16-75573915-A-C.
Other names: c.1087T>G, p.Leu363Val (NM_001077416.2); short protein forms L310V, L363V.
Identifiers: ClinVar variation 786834 (VCV000786834.42), dbSNP rs182008317, ClinGen allele CA8175990.
Genomic context (GRCh38, chr16:75,540,017, plus strand): 5'-CAGCCACGGTCCTGCTGAGTCTTCAGAAATGGCCTTTCTAGGATAAGTGCTCCTTACACA[A>C]GTCTCCCCGGGGCGTCACTGTCACAGGAATGGTGGTCACCACCTGATTCTGAAACACGAA-3'
Protein context (NP_001070886.1, residues 300-316): IPVTVTPRGD[Leu310Val]CKEHLS